The following is an entry in ClinVar:

NM_013436.5(NCKAP1):c.2596C>G (p.Leu866Val)

Gene: NCKAP1 (NCK associated protein 1; minus strand). Cytogenetic location: 2q32.1.
Variant type: single nucleotide variant.
Coding change: c.2596C>G on transcript NM_013436.5 (MANE Select); coding-DNA position 2596, C replaced by G.
Protein change: p.Leu866Val; replaces leucine 866 with valine.
Molecular consequence: missense variant.
Genome position (GRCh38, 1-based): chr2:182,952,410, G>C on the plus strand (C>G on the coding strand, the complement: NCKAP1 is on the minus strand). VCF-style: chr2-182952410-G-C. GRCh37 (hg19) VCF-style: chr2-183817138-G-C.
Other names: c.2614C>G, p.Leu872Val (NM_205842.3); short protein forms L866V, L872V.
Identifiers: ClinVar variation 3392871 (VCV003392871.1).

ClinVar aggregate classification (germline): Uncertain significance (1 of 4 stars; one submission).

Submission:

GeneDx
Classification: Uncertain significance. Last evaluated: 2024-06-24. Review status: criteria provided, single submitter. Criteria: GeneDx Variant Classification Process June 2021. Collection method: clinical testing. Allele origin: germline. Affected: yes.
Comment: Not observed at significant frequency in large population cohorts (gnomAD); In silico analysis supports that this missense variant has a deleterious effect on protein structure/function; Has not been previously published as pathogenic or benign to our knowledge